The following is an entry in ClinVar:

NM_001018115.3(FANCD2):c.2860G>T (p.Ala954Ser)

Genes: FANCD2 (FA complementation group D2; plus strand), LOC107303338 (3p25 FANCD2 Alu-mediated recombination region; plus strand). Cytogenetic location: 3p25.3.
Variant type: single nucleotide variant.
Coding change: c.2860G>T on transcript NM_001018115.3 (MANE Select); coding-DNA position 2860, G replaced by T.
Protein change: p.Ala954Ser; replaces alanine 954 with serine.
Molecular consequence: missense variant.
Genome position (GRCh38, 1-based): chr3:10,078,081, G>T. VCF-style: chr3-10078081-G-T. GRCh37 (hg19) VCF-style: chr3-10119765-G-T.
Other names: c.2860G>T, p.Ala954Ser (NM_001319984.2, NM_001374254.1, NM_033084.6); c.2749G>T, p.Ala917Ser (NM_001374253.1); short protein forms A954S, A917S.
Identifiers: ClinVar variation 2200045 (VCV002200045.4), dbSNP rs924742796, ClinGen allele CA70023981.

ClinVar aggregate classification (germline): Uncertain significance (1 of 4 stars; one submission).

Conditions:
Fanconi anemia (FA). Also called: Fanconi's anemia. Identifiers: Orphanet 84, MedGen C0015625, MeSH D005199, MONDO:0019391.

Allele frequency attached by ClinVar (database versions not stated): gnomAD 0.00001; TOPMed 0.00002.

Submission:

Labcorp Genetics (formerly Invitae), Labcorp
Classification: Uncertain significance for Fanconi anemia. Last evaluated: 2022-09-19. Review status: criteria provided, single submitter. Criteria: Invitae Variant Classification Sherloc (09022015). Collection method: clinical testing. Allele origin: germline.
Comment: This sequence change replaces alanine, which is neutral and non-polar, with serine, which is neutral and polar, at codon 954 of the FANCD2 protein (p.Ala954Ser). This variant is not present in population databases (gnomAD no frequency). This variant has not been reported in the literature in individuals affected with FANCD2-related conditions. Algorithms developed to predict the effect of missense changes on protein structure and function are either unavailable or do not agree on the potential impact of this missense change (SIFT: "Tolerated"; PolyPhen-2: "Possibly Damaging"; Align-GVGD: "Class C0"). Algorithms developed to predict the effect of sequence changes on RNA splicing suggest that this variant may create or strengthen a splice site. In summary, the available evidence is currently insufficient to determine the role of this variant in disease. Therefore, it has been classified as a Variant of Uncertain Significance.